The following is an entry in ClinVar:

ClinVar aggregate classification (germline): Conflicting classifications of pathogenicity. Review status: criteria provided, conflicting classifications (1 of 4 stars). 7 submissions from 7 submitters: Uncertain significance (4); Likely benign (1). 2 of the submissions do not count toward it. Last evaluated 2024-02-17.

Conditions:
Hereditary breast ovarian cancer syndrome. Also called: Hereditary breast and ovarian cancer syndrome; Hereditary breast and ovarian cancer; Hereditary breast and ovarian cancer syndrome (HBOC); Breast and ovarian cancer; Hereditary breast and/or ovarian cancer syndrome; BRCA1- and BRCA2-Associated Hereditary Breast and Ovarian Cancer. Identifiers: Orphanet 145, MedGen C0677776, MeSH D061325, MONDO:0003582. Disease mechanism: loss of function.
Hereditary cancer-predisposing syndrome. Also called: Neoplastic Syndromes, Hereditary; Tumor predisposition; Hereditary neoplastic syndrome; Hereditary Cancer Syndrome. Identifiers: Orphanet 140162, MedGen C0027672, MeSH D009386, MONDO:0015356.
Breast-ovarian cancer, familial, susceptibility to, 2 (BROVCA2). Also called: BRCA2 Hereditary Breast and Ovarian Cancer. Identifiers: Orphanet 145, MedGen C2675520, MONDO:0012933, OMIM 612555. Disease mechanism: loss of function.

Submissions (7):

Labcorp Genetics (formerly Invitae), Labcorp
Classification: Uncertain significance for Hereditary breast ovarian cancer syndrome. Last evaluated: 2024-02-17. Review status: criteria provided, single submitter. Criteria: Invitae Variant Classification Sherloc (09022015). Collection method: clinical testing. Allele origin: germline.
Comment: This sequence change replaces histidine, which is basic and polar, with asparagine, which is neutral and polar, at codon 2178 of the BRCA2 protein (p.His2178Asn). This variant is not present in population databases (gnomAD no frequency). This missense change has been observed in individual(s) with BRCA2-related disease (Invitae). It has also been observed to segregate with disease in related individuals. ClinVar contains an entry for this variant (Variation ID: 52123). Advanced modeling of protein sequence and biophysical properties (such as structural, functional, and spatial information, amino acid conservation, physicochemical variation, residue mobility, and thermodynamic stability) performed at Invitae indicates that this missense variant is not expected to disrupt BRCA2 protein function with a negative predictive value of 95%. In summary, the available evidence is currently insufficient to determine the role of this variant in disease. Therefore, it has been classified as a Variant of Uncertain Significance.

University of Washington Department of Laboratory Medicine, University of Washington
Classification: Likely benign for Hereditary cancer-predisposing syndrome. Last evaluated: 2023-03-23. Review status: criteria provided, single submitter. Criteria: Dines et al. (Genet Med. 2020). Collection method: curation. Allele origin: germline.
Comment: Missense variant in a coldspot region where missense variants are very unlikely to be pathogenic (PMID:31911673).

BRCA2 exon 11 coldspot. Reclassification based on statistical prior probability.

Ambry Genetics
Classification: Uncertain significance for Hereditary cancer-predisposing syndrome. Last evaluated: 2022-11-17. Review status: criteria provided, single submitter. Criteria: Ambry Variant Classification Scheme 2023. Collection method: clinical testing. Allele origin: germline.
Comment: The p.H2178N variant (also known as c.6532C>A), located in coding exon 10 of the BRCA2 gene, results from a C to A substitution at nucleotide position 6532. The histidine at codon 2178 is replaced by asparagine, an amino acid with similar properties. This amino acid position is conserved. In addition, this alteration is predicted to be tolerated by in silico analysis. Since supporting evidence is limited at this time, the clinical significance of this alteration remains unclear.

Color Diagnostics, LLC DBA Color Health
Classification: Uncertain significance for Hereditary cancer-predisposing syndrome. Last evaluated: 2021-08-31. Review status: criteria provided, single submitter. Criteria: ACMG Guidelines, 2015. Collection method: clinical testing. Allele origin: germline.
Comment: This missense variant replaces histidine with asparagine at codon 2178 of the BRCA2 protein. Computational prediction suggests that this variant may not impact protein structure and function (internally defined REVEL score threshold <= 0.5, PMID: 27666373). To our knowledge, functional studies have not been reported for this variant. This variant has not been reported in individuals affected with hereditary cancer in the literature. This variant has not been identified in the general population by the Genome Aggregation Database (gnomAD). The available evidence is insufficient to determine the role of this variant in disease conclusively. Therefore, this variant is classified as a Variant of Uncertain Significance.

Mendelics
Classification: Uncertain significance for Breast-ovarian cancer, familial, susceptibility to, 2. Last evaluated: 2019-05-28. Review status: criteria provided, single submitter. Criteria: Mendelics Assertion Criteria 2017. Collection method: clinical testing. Allele origin: unknown.

Department of Medical and Surgical Sciences, University of Bologna
Classification: Likely benign for Breast-ovarian cancer, familial, susceptibility to, 2. Last evaluated: 2023-09-01. Review status: no assertion criteria provided. Collection method: clinical testing. Allele origin: germline. Affected: yes. Not counted in ClinVar's aggregate classification.
Comment: PM2(Supporting)+BP1(Strong) according to ACMG/AMP classification guidelines specified for BRCA1 & BRCA2 (Classification Criteria V1.0.0 2023-09-08) (PMID: 38160042)

Breast Cancer Information Core (BIC) (BRCA2)
Classification: Uncertain significance for Breast-ovarian cancer, familial 2. Last evaluated: 2002-05-29. Review status: no assertion criteria provided. Collection method: clinical testing. Allele origin: germline. Affected: yes. Observed: 1 variant allele. Not counted in ClinVar's aggregate classification.

NM_000059.4(BRCA2):c.6532C>A (p.His2178Asn)

Gene: BRCA2 (BRCA2 DNA repair associated; plus strand). Cytogenetic location: 13q13.1.
Variant type: single nucleotide variant.
Coding change: c.6532C>A on transcript NM_000059.4 (MANE Select); coding-DNA position 6532, C replaced by A.
Protein change: p.His2178Asn; replaces histidine 2178 with asparagine.
Molecular consequence: missense variant.
Genome position (GRCh38, 1-based): chr13:32,340,887, C>A. VCF-style: chr13-32340887-C-A. GRCh37 (hg19) VCF-style: chr13-32915024-C-A.
Other names: short protein forms H2178N.
Identifiers: ClinVar variation 52123 (VCV000052123.17), dbSNP rs80358885, ClinGen allele CA024142.
Genomic context (GRCh38, chr13:32,340,887, plus strand): 5'-TTTCAACAAGACAAACAACAGTTGGTATTAGGAACCAAAGTGTCACTTGTTGAGAACATT[C>A]ATGTTTTGGGAAAAGAACAGGCTTCACCTAAAAACGTAAAAATGGAAATTGGTAAAACTG-3'
Protein context (NP_000050.3, residues 2168-2188): GTKVSLVENI[His2178Asn]VLGKEQASPK